The following is an entry in ClinVar:

NM_006514.4(SCN10A):c.1952G>A (p.Trp651Ter)

Gene: SCN10A (sodium voltage-gated channel alpha subunit 10; minus strand). Cytogenetic location: 3p22.2.
Variant type: single nucleotide variant.
Coding change: c.1952G>A on transcript NM_006514.4 (MANE Select); coding-DNA position 1952, G replaced by A.
Protein change: p.Trp651Ter; replaces tryptophan 651 with a stop codon.
Molecular consequence: nonsense.
Genome position (GRCh38, 1-based): chr3:38,742,445, C>T on the plus strand (G>A on the coding strand, the complement: SCN10A is on the minus strand). VCF-style: chr3-38742445-C-T. GRCh37 (hg19) VCF-style: chr3-38783936-C-T.
Other names: c.1952G>A, p.Trp651Ter (NM_001293306.2); c.1658G>A, p.Trp553Ter (NM_001293307.2); short protein forms W553*, W651*.
Identifiers: ClinVar variation 4864097 (VCV004864097.1).
Genomic context (GRCh38, chr3:38,742,445, plus strand): 5'-ATGGTGAGCTCTGCAAAGGGATCCGTCACAAGCCCAAAGAGAATTGTCTTGAGCTTCACC[C>T]ACATGGGGCAGCAATCCCAGATCAGATACTTCTGAGACAAGCTGGTCAAGCAGGGTGGGC-3'

ClinVar aggregate classification (germline): Uncertain significance (1 of 4 stars; one submission).

Conditions:
Cardiovascular phenotype. Identifiers: MedGen CN230736.

gnomAD v4.1: 2 of 1,614,208 alleles (0.00012%); highest among the groups gnomAD compares: African/African-American, 0.0013%; no homozygotes.

Submission:

Ambry Genetics
Classification: Uncertain significance for Cardiovascular phenotype. Last evaluated: 2026-04-17. Review status: criteria provided, single submitter. Criteria: Ambry Variant Classification Scheme 2023. Collection method: clinical testing. Allele origin: germline.
Comment: The p.W651* variant (also known as c.1952G>A), located in coding exon 13 of the SCN10A gene, results from a G to A substitution at nucleotide position 1952. This changes the amino acid from a tryptophan to a stop codon within coding exon 13. The evidence for this gene-disease relationship is limited; therefore, the clinical significance of this variant is unclear.